The following is an entry in ClinVar:

NM_133459.4(CCBE1):c.274G>A (p.Val92Ile)

Gene: CCBE1 (collagen and calcium binding EGF domains 1; minus strand). Cytogenetic location: 18q21.32.
Variant type: single nucleotide variant.
Coding change: c.274G>A on transcript NM_133459.4 (MANE Select); coding-DNA position 274, G replaced by A.
Protein change: p.Val92Ile; replaces valine 92 with isoleucine.
Molecular consequence: missense variant.
Genome position (GRCh38, 1-based): chr18:59,469,599, C>T on the plus strand (G>A on the coding strand, the complement: CCBE1 is on the minus strand). VCF-style: chr18-59469599-C-T. GRCh37 (hg19) VCF-style: chr18-57136831-C-T.
Other names: short protein forms V92I.
Identifiers: ClinVar variation 1031116 (VCV001031116.3), dbSNP rs374811948, ClinGen allele CA8980551.

ClinVar aggregate classification (germline): Uncertain significance. Review status: criteria provided, multiple submitters, no conflicts (2 of 4 stars). 2 submissions from 2 submitters: Uncertain significance (2). Last evaluated 2021-07-14.

Conditions:
Inborn genetic diseases. Identifiers: MedGen C0950123, MeSH D030342.
Hennekam lymphangiectasia-lymphedema syndrome 1 (HKLLS1). Also called: LYMPHATIC DYSPLASIA, GENERALIZED. Identifiers: Orphanet 2136, MedGen C4012050, MONDO:0009337, OMIM 235510.

Allele frequency attached by ClinVar (database versions not stated): gnomAD exomes below 0.00001 and 0.00001; gnomAD 0.00001; ExAC 0.00002; TOPMed 0.00002; ESP Exome Variant Server 0.00008.
gnomAD v4.1: 14 of 1,613,994 alleles (0.00087%); highest among the groups gnomAD compares: Middle Eastern, 0.033%; no homozygotes.

Submissions (2):

Ambry Genetics
Classification: Uncertain significance for Inborn genetic diseases. Last evaluated: 2021-07-14. Review status: criteria provided, single submitter. Criteria: Ambry Variant Classification Scheme 2023. Collection method: clinical testing. Allele origin: germline.

Baylor Genetics
Classification: Uncertain significance for Hennekam lymphangiectasia-lymphedema syndrome 1. Last evaluated: 2020-06-03. Review status: criteria provided, single submitter. Criteria: ACMG Guidelines, 2015. Collection method: clinical testing. Allele origin: unknown. Affected: yes.
Comment: This variant was determined to be of uncertain significance according to ACMG Guidelines, 2015 [PMID:25741868].